The following is an entry in ClinVar:

ClinVar aggregate classification (germline): Likely benign. Review status: criteria provided, multiple submitters, no conflicts (2 of 4 stars). 2 submissions from 2 submitters: Likely benign (2). Last evaluated 2026-01-01.

Conditions:
Inborn genetic diseases. Identifiers: MedGen C0950123, MeSH D030342.

Allele frequency attached by ClinVar (database versions not stated): gnomAD exomes below 0.00001; gnomAD 0.00001.
gnomAD v4.1: 4 of 1,209,389 alleles (0.00033%); highest among the groups gnomAD compares: African/African-American, 0.0018%; no homozygotes.

Submissions (2):

CeGaT Center for Human Genetics Tuebingen
Classification: Likely benign. Last evaluated: 2026-01-01. Review status: criteria provided, single submitter. Criteria: CeGaT Center For Human Genetics Tuebingen Variant Classification Criteria Version 2. Collection method: clinical testing. Allele origin: germline. Affected: yes. Observed: 1 variant allele.
Comment: ACSL4: BP4, BP7

Ambry Genetics
Classification: Likely benign for Inborn genetic diseases. Last evaluated: 2019-12-30. Review status: criteria provided, single submitter. Criteria: Ambry Variant Classification Scheme 2023. Collection method: clinical testing. Allele origin: germline.

NM_001318510.2(ACSL4):c.912G>A (p.Pro304=)

Gene: ACSL4 (acyl-CoA synthetase long chain family member 4; minus strand). Cytogenetic location: Xq23.
Variant type: single nucleotide variant.
Coding change: c.912G>A on transcript NM_001318510.2 (MANE Select); coding-DNA position 912, G replaced by A.
Protein change: p.Pro304=; no amino-acid change (proline 304 retained).
Molecular consequence: synonymous variant.
Genome position (GRCh38, 1-based): chrX:109,678,006, C>T on the plus strand (G>A on the coding strand, the complement: ACSL4 is on the minus strand). VCF-style: chrX-109678006-C-T. GRCh37 (hg19) VCF-style: chrX-108921235-C-T.
Other names: c.1035G>A, p.Pro345= (NM_001318509.2, NM_022977.3); c.912G>A, p.Pro304= (NM_004458.3).
Identifiers: ClinVar variation 1765906 (VCV001765906.6), dbSNP rs1409803653, ClinGen allele CA518008059.